The following is an entry in ClinVar:

NM_172245.4(CSF2RA):c.496C>T (p.Pro166Ser)

Gene: CSF2RA (colony stimulating factor 2 receptor subunit alpha; plus strand). Cytogenetic location: Xp22.33.
Variant type: single nucleotide variant.
Coding change: c.496C>T on transcript NM_172245.4 (MANE Select); coding-DNA position 496, C replaced by T.
Protein change: p.Pro166Ser; replaces proline 166 with serine.
Molecular consequence: missense variant. On other transcripts: non-coding transcript variant (1).
Genome position (GRCh38, 1-based): chrX:1,290,359, C>T. VCF-style: chrX-1290359-C-T. GRCh37 (hg19) VCF-style: chrX-1409252-C-T.
Other names: c.496C>T, p.Pro166Ser (NM_001161529.2, NM_001161530.2, NM_001161531.2 and 20 more transcripts); c.97C>T, p.Pro33Ser (NM_001161532.2); short protein forms P33S, P166S.
Identifiers: ClinVar variation 657884 (VCV000657884.7), dbSNP rs1603429177, ClinGen allele CA412235523.

ClinVar aggregate classification (germline): Uncertain significance (1 of 4 stars; one submission).

Conditions:
Surfactant metabolism dysfunction, pulmonary, 4 (SMDP4). Also called: PAP DUE TO CSF2RA DEFICIENCY; PULMONARY ALVEOLAR PROTEINOSIS, CONGENITAL, 4; CSF2RA DEFICIENCY. Identifiers: Orphanet 264675, MedGen C2677877, MONDO:0010424, OMIM 300770.

Submission:

Labcorp Genetics (formerly Invitae), Labcorp
Classification: Uncertain significance for Surfactant metabolism dysfunction, pulmonary, 4. Last evaluated: 2018-11-13. Review status: criteria provided, single submitter. Criteria: Invitae Variant Classification Sherloc (09022015). Collection method: clinical testing. Allele origin: germline.
Comment: This sequence change replaces proline with serine at codon 166 of the CSF2RA protein (p.Pro166Ser). The proline residue is moderately conserved and there is a moderate physicochemical difference between proline and serine. This variant is not present in population databases (ExAC no frequency). This variant has not been reported in the literature in individuals with CSF2RA-related disease. Algorithms developed to predict the effect of missense changes on protein structure and function are either unavailable or do not agree on the potential impact of this missense change (SIFT: "Deleterious"; PolyPhen-2: "Possibly Damaging"; Align-GVGD: "Class C0"). In summary, the available evidence is currently insufficient to determine the role of this variant in disease. Therefore, it has been classified as a Variant of Uncertain Significance.